The following is an entry in ClinVar:

NM_001348716.2(KDM6B):c.1639CCAACC[3] (p.Thr550_Thr551insProThr)

Gene: KDM6B (lysine demethylase 6B; plus strand). Cytogenetic location: 17p13.1.
Variant type: Microsatellite.
Coding change: c.1639CCAACC[3] on transcript NM_001348716.2 (MANE Select); three copies in a row of the 6-base unit CCAACC starting at c.1639; the reference has two copies in a row; one copy, 6 bases duplicated.
Protein change: p.Thr550_Thr551insProThr.
Genome position (GRCh38, 1-based): chr17:7,847,933-7,847,938, CCAACC duplicated; duplicating any 6 consecutive bases within chr17:7,847,925-7,847,938 gives the same sequence; the position shown is the placement nearest the transcript's 3' end. VCF-style (leftmost placement, unchanged base first): chr17-7847924-C-CCCCCAA. GRCh37 (hg19) VCF-style: chr17-7751242-C-CCCCCAA.
Other names: c.1639CCAACC[3], p.Thr550_Thr551insProThr (NM_001080424.2).
Identifiers: ClinVar variation 3642334 (VCV003642334.2).

ClinVar aggregate classification (germline): Uncertain significance (1 of 4 stars; one submission).

Submission:

Labcorp Genetics (formerly Invitae), Labcorp
Classification: Uncertain significance. Last evaluated: 2024-03-01. Review status: criteria provided, single submitter. Criteria: Invitae Variant Classification Sherloc (09022015). Collection method: clinical testing. Allele origin: germline.
Comment: This variant, c.1645_1650dup, results in the insertion of 2 amino acid(s) of the KDM6B protein (p.Pro549_Thr550dup), but otherwise preserves the integrity of the reading frame. This variant is not present in population databases (gnomAD no frequency). This variant has not been reported in the literature in individuals affected with KDM6B-related conditions. Experimental studies and prediction algorithms are not available or were not evaluated, and the functional significance of this variant is currently unknown. In summary, the available evidence is currently insufficient to determine the role of this variant in disease. Therefore, it has been classified as a Variant of Uncertain Significance.